The following is an entry in ClinVar:

NM_006567.5(FARS2):c.905C>T (p.Ala302Val)

Gene: FARS2 (phenylalanyl-tRNA synthetase 2, mitochondrial; plus strand). Cytogenetic location: 6p25.1.
Variant type: single nucleotide variant.
Coding change: c.905C>T on transcript NM_006567.5 (MANE Select); coding-DNA position 905, C replaced by T.
Protein change: p.Ala302Val; replaces alanine 302 with valine.
Molecular consequence: missense variant.
Genome position (GRCh38, 1-based): chr6:5,545,180, C>T. VCF-style: chr6-5545180-C-T. GRCh37 (hg19) VCF-style: chr6-5545413-C-T.
Other names: c.905C>T, p.Ala302Val (NM_001318872.2, NM_001374875.1, NM_001374876.1 and 4 more transcripts); c.773C>T, p.Ala258Val (NM_001375258.1); c.209C>T, p.Ala70Val (NM_001375259.1, NM_001375260.1); short protein forms A70V, A258V, A302V.
Identifiers: ClinVar variation 951006 (VCV000951006.9), dbSNP rs777903820, ClinGen allele CA3623831.
Genomic context (GRCh38, chr6:5,545,180, plus strand): 5'-GTATGAACCTATCCAATCTCGATACTTTTTAAAAACAACTATTTTGTTTCCTAATCACAG[C>T]TGGTGCTCAAGACCGAATCGGCTGGGCTTTTGGCCTAGGATTAGAAAGGCTAGCCATGAT-3'
Protein context (NP_006558.1, residues 292-312): GVMEQQLVNS[Ala302Val]GAQDRIGWAF

ClinVar aggregate classification (germline): Uncertain significance (1 of 4 stars; one submission).

Conditions:
Combined oxidative phosphorylation defect type 14. Also called: Combined oxidative phosphorylation deficiency 14. Identifiers: Orphanet 319519, MedGen C4755312, MONDO:0013986, OMIM 614946.

Allele frequency attached by ClinVar (database versions not stated): gnomAD 0.00001; gnomAD exomes 0.00002 and 0.00004; TOPMed 0.00002; ExAC 0.00003.
gnomAD v4.1: 11 of 1,613,606 alleles (0.00068%); highest among the groups gnomAD compares: Admixed American, 0.017%; no homozygotes.

Submission:

Labcorp Genetics (formerly Invitae), Labcorp
Classification: Uncertain significance for Combined oxidative phosphorylation defect type 14. Last evaluated: 2025-10-01. Review status: criteria provided, single submitter. Criteria: Invitae Variant Classification Sherloc (09022015). Collection method: clinical testing. Allele origin: germline.
Comment: This sequence change replaces alanine, which is neutral and non-polar, with valine, which is neutral and non-polar, at codon 302 of the FARS2 protein (p.Ala302Val). This variant is present in population databases (rs777903820, gnomAD 0.03%). This variant has not been reported in the literature in individuals affected with FARS2-related conditions. ClinVar contains an entry for this variant (Variation ID: 951006). Invitae Evidence Modeling of protein sequence and biophysical properties (such as structural, functional, and spatial information, amino acid conservation, physicochemical variation, residue mobility, and thermodynamic stability) has been performed for this missense variant. However, the output from this modeling did not meet the statistical confidence thresholds required to predict the impact of this variant on FARS2 protein function. In summary, the available evidence is currently insufficient to determine the role of this variant in disease. Therefore, it has been classified as a Variant of Uncertain Significance.